The following is an entry in ClinVar:

ClinVar aggregate classification (germline): Uncertain significance. Review status: criteria provided, multiple submitters, no conflicts (2 of 4 stars). 2 submissions from 2 submitters: Uncertain significance (2). Last evaluated 2024-04-15.

Conditions:
Hereditary cancer-predisposing syndrome. Also called: Hereditary Cancer Syndrome; Hereditary neoplastic syndrome; Tumor predisposition; Neoplastic Syndromes, Hereditary. Identifiers: Orphanet 140162, MedGen C0027672, MeSH D009386, MONDO:0015356.

Submissions (2):

Labcorp Genetics (formerly Invitae), Labcorp
Classification: Uncertain significance. Last evaluated: 2024-04-15. Review status: criteria provided, single submitter. Criteria: Invitae Variant Classification Sherloc (09022015). Collection method: clinical testing. Allele origin: germline.
Comment: This sequence change replaces asparagine, which is neutral and polar, with histidine, which is basic and polar, at codon 1746 of the POLE protein (p.Asn1746His). This variant is not present in population databases (gnomAD no frequency). This variant has not been reported in the literature in individuals affected with POLE-related conditions. ClinVar contains an entry for this variant (Variation ID: 1398219). Advanced modeling of protein sequence and biophysical properties (such as structural, functional, and spatial information, amino acid conservation, physicochemical variation, residue mobility, and thermodynamic stability) performed at Invitae indicates that this missense variant is not expected to disrupt POLE protein function with a negative predictive value of 80%. In summary, the available evidence is currently insufficient to determine the role of this variant in disease. Therefore, it has been classified as a Variant of Uncertain Significance.

Ambry Genetics
Classification: Uncertain significance for Hereditary cancer-predisposing syndrome. Last evaluated: 2024-03-03. Review status: criteria provided, single submitter. Criteria: Ambry Variant Classification Scheme 2023. Collection method: clinical testing. Allele origin: germline.
Comment: The p.N1746H variant (also known as c.5236A>C), located in coding exon 39 of the POLE gene, results from an A to C substitution at nucleotide position 5236. The asparagine at codon 1746 is replaced by histidine, an amino acid with similar properties. This amino acid position is conserved. In addition, this alteration is predicted to be tolerated by in silico analysis. Based on the available evidence, the clinical significance of this alteration remains unclear.

NM_006231.4(POLE):c.5236A>C (p.Asn1746His)

Gene: POLE (DNA polymerase epsilon, catalytic subunit; minus strand). Cytogenetic location: 12q24.33.
Variant type: single nucleotide variant.
Coding change: c.5236A>C on transcript NM_006231.4 (MANE Select); coding-DNA position 5236, A replaced by C.
Protein change: p.Asn1746His; replaces asparagine 1746 with histidine.
Molecular consequence: missense variant.
Genome position (GRCh38, 1-based): chr12:132,641,789, T>G on the plus strand (A>C on the coding strand, the complement: POLE is on the minus strand). VCF-style: chr12-132641789-T-G. GRCh37 (hg19) VCF-style: chr12-133218375-T-G.
Other names: c.5236A>C (NM_006231.2); short protein forms N1746H.
Identifiers: ClinVar variation 1398219 (VCV001398219.7), dbSNP rs2138525624, ClinGen allele CA387376373.